The following is an entry in ClinVar:

ClinVar aggregate classification (germline): Conflicting classifications of pathogenicity. Review status: criteria provided, conflicting classifications (1 of 4 stars). 5 submissions from 5 submitters: Uncertain significance (4); Likely benign (1). Last evaluated 2026-07-01.

Conditions:
Inborn genetic diseases. Identifiers: MedGen C0950123, MeSH D030342.
Familial episodic pain syndrome with predominantly lower limb involvement. Also called: Episodic pain syndrome, familial, 3. Identifiers: Orphanet 391384, Orphanet 391392, MedGen C3809899, MONDO:0014247, OMIM 615552.
Hereditary sensory and autonomic neuropathy type 7. Also called: HSAN VII; Neuropathy, hereditary sensory and autonomic, type VII. Identifiers: Orphanet 391397, MedGen C3809882, MONDO:0014244, OMIM 615548.

Allele frequency attached by ClinVar (database versions not stated): gnomAD 0.00001; gnomAD exomes 0.00001 and 0.00003; ExAC 0.00003; TOPMed 0.00003.
gnomAD v4.1: 17 of 1,613,982 alleles (0.0011%); highest among the groups gnomAD compares: Admixed American, 0.0083%; no homozygotes.

Submissions (5):

CeGaT Center for Human Genetics Tuebingen
Classification: Uncertain significance. Last evaluated: 2026-07-01. Review status: criteria provided, single submitter. Criteria: CeGaT Center For Human Genetics Tuebingen Variant Classification Criteria Version 2. Collection method: clinical testing. Allele origin: germline. Affected: yes. Observed: 1 variant allele.
Comment: SCN11A: PM2:Supporting

Labcorp Genetics (formerly Invitae), Labcorp
Classification: Uncertain significance for Familial episodic pain syndrome with predominantly lower limb involvement; Hereditary sensory and autonomic neuropathy type 7. Last evaluated: 2026-02-01. Review status: criteria provided, single submitter. Criteria: Invitae Variant Classification Sherloc (09022015). Collection method: clinical testing. Allele origin: germline.
Comment: This sequence change replaces glutamine, which is neutral and polar, with histidine, which is basic and polar, at codon 520 of the SCN11A protein (p.Gln520His). This variant is present in population databases (rs774075554, gnomAD 0.01%). This variant has not been reported in the literature in individuals affected with SCN11A-related conditions. ClinVar contains an entry for this variant (Variation ID: 572076). Invitae Evidence Modeling of protein sequence and biophysical properties (such as structural, functional, and spatial information, amino acid conservation, physicochemical variation, residue mobility, and thermodynamic stability) indicates that this missense variant is not expected to disrupt SCN11A protein function with a negative predictive value of 80%. In summary, the available evidence is currently insufficient to determine the role of this variant in disease. Therefore, it has been classified as a Variant of Uncertain Significance.

GeneDx
Classification: Uncertain significance. Last evaluated: 2025-06-26. Review status: criteria provided, single submitter. Criteria: GeneDx Variant Classification Process June 2021. Collection method: clinical testing. Allele origin: germline. Affected: yes.
Comment: Reported in the published literature in a patient with small fiber neuropathy (PMID: 37175987); In silico analysis supports that this missense variant has a deleterious effect on protein structure/function; This variant is associated with the following publications: (PMID: 37175987)

Women's Health and Genetics/Laboratory Corporation of America, LabCorp
Classification: Uncertain significance. Last evaluated: 2024-04-09. Review status: criteria provided, single submitter. Criteria: LabCorp Variant Classification Summary - May 2015. Collection method: clinical testing. Allele origin: germline.
Comment: Variant summary: SCN11A c.1560G>T (p.Gln520His) results in a non-conservative amino acid change in the encoded protein sequence. Four of five in-silico tools predict a damaging effect of the variant on protein function. The variant allele was found at a frequency of 2.8e-05 in 251106 control chromosomes. The available data on variant occurrences in the general population are insufficient to allow any conclusion about variant significance. To our knowledge, no occurrence of c.1560G>T in individuals affected with Hereditary Sensory And Autonomic Neuropathy Type 7 and no experimental evidence demonstrating its impact on protein function have been reported. ClinVar contains an entry for this variant (Variation ID: 572076). Based on the evidence outlined above, the variant was classified as uncertain significance.

Ambry Genetics
Classification: Likely benign for Inborn genetic diseases. Last evaluated: 2020-06-18. Review status: criteria provided, single submitter. Criteria: Ambry Variant Classification Scheme 2023. Collection method: clinical testing. Allele origin: germline.

NM_001349253.2(SCN11A):c.1560G>T (p.Gln520His)

Gene: SCN11A (sodium voltage-gated channel alpha subunit 11; minus strand). Cytogenetic location: 3p22.2.
Variant type: single nucleotide variant.
Coding change: c.1560G>T on transcript NM_001349253.2 (MANE Select); coding-DNA position 1560, G replaced by T.
Protein change: p.Gln520His; replaces glutamine 520 with histidine.
Molecular consequence: missense variant.
Genome position (GRCh38, 1-based): chr3:38,905,235, C>A on the plus strand (G>T on the coding strand, the complement: SCN11A is on the minus strand). VCF-style: chr3-38905235-C-A. GRCh37 (hg19) VCF-style: chr3-38946726-C-A.
Other names: c.1560G>T, p.Gln520His (NM_014139.3); short protein forms Q520H.
Identifiers: ClinVar variation 572076 (VCV000572076.15), dbSNP rs774075554, ClinGen allele CA2322272.
Genomic context (GRCh38, chr3:38,905,235, plus strand): 5'-TGGGATGTGGAACTTACCCTTCATGGTGATGGTGAGGATGCTGACAGCACTCAGTGCTCT[C>A]TGCCTTTGGAGAGGATCTCCATGCTCATCAAAGTGGTCCAGTGATAGATTCTGGGACAGT-3'
Protein context (NP_001336182.1, residues 510-530): FDEHGDPLQR[Gln520His]RALSAVSILT